The following is an entry in ClinVar:

ClinVar aggregate classification (germline): Likely pathogenic (1 of 4 stars; one submission).

Conditions:
Inborn genetic diseases. Identifiers: MedGen C0950123, MeSH D030342.

Submission:

Ambry Genetics
Classification: Likely pathogenic for Inborn genetic diseases. Last evaluated: 2026-04-02. Review status: criteria provided, single submitter. Criteria: Ambry Variant Classification Scheme 2023. Collection method: clinical testing. Allele origin: germline.
Comment: The c.4313T>G (p.V1438G) alteration is located in exon 18 (coding exon 17) of the CHD7 gene. This alteration results from a T to G substitution at nucleotide position 4313, causing the valine (V) at amino acid position 1438 to be replaced by a glycine (G). This variant was not reported in population-based cohorts in the Genome Aggregation Database (gnomAD). This amino acid position is highly conserved in available vertebrate species. This missense alteration is located in a region that has a low rate of benign missense variation (Lek, 2016; Firth, 2009). This alteration is predicted to be deleterious by in silico analysis. Based on the available evidence, this alteration is classified as likely pathogenic.

NM_017780.4(CHD7):c.4313T>G (p.Val1438Gly)

Gene: CHD7 (chromodomain helicase DNA binding protein 7; plus strand). Cytogenetic location: 8q12.2.
Variant type: single nucleotide variant.
Coding change: c.4313T>G on transcript NM_017780.4 (MANE Select); coding-DNA position 4313, T replaced by G.
Protein change: p.Val1438Gly; replaces valine 1438 with glycine.
Molecular consequence: missense variant. On other transcripts: intron variant (1).
Genome position (GRCh38, 1-based): chr8:60,837,795, T>G. VCF-style: chr8-60837795-T-G. GRCh37 (hg19) VCF-style: chr8-61750354-T-G.
Other names: c.1717-24434T>G (NM_001316690.1); short protein forms V1438G.
Identifiers: ClinVar variation 2228676 (VCV002228676.3), dbSNP rs2487911129, ClinGen allele CA371317938.